The following is an entry in ClinVar:

NM_001851.6(COL9A1):c.2177A>G (p.Glu726Gly)

Gene: COL9A1 (collagen type IX alpha 1 chain; minus strand). Cytogenetic location: 6q13.
Variant type: single nucleotide variant.
Coding change: c.2177A>G on transcript NM_001851.6 (MANE Select); coding-DNA position 2177, A replaced by G.
Protein change: p.Glu726Gly; replaces glutamic acid 726 with glycine.
Molecular consequence: missense variant. On other transcripts: non-coding transcript variant (1), intron variant (1).
Genome position (GRCh38, 1-based): chr6:70,234,876, T>C on the plus strand (A>G on the coding strand, the complement: COL9A1 is on the minus strand). VCF-style: chr6-70234876-T-C. GRCh37 (hg19) VCF-style: chr6-70944579-T-C.
Other names: c.1478A>G, p.Glu493Gly (NM_001377289.1); c.1448A>G, p.Glu483Gly (NM_078485.4); c.1384-283A>G (NM_001377290.1); short protein forms E483G, E726G, E493G.
Identifiers: ClinVar variation 1960660 (VCV001960660.5), dbSNP rs1583223169, ClinGen allele CA364673344.
Genomic context (GRCh38, chr6:70,234,876, plus strand): 5'-AGGCCGGTGGCACCCTGTTCTCCCTGCACACCCCGGGGTCCAGGTGGTCCTCTTGGTCCT[T>C]CCACTCCAGGAAGCCCCCGACTTCCCTCAGGCCCTCTCAAGCCAGGTTCCCCAGGATTAC-3'
Protein context (NP_001842.3, residues 716-736): PEGSRGLPGV[Glu726Gly]GPRGPPGPRG

ClinVar aggregate classification (germline): Uncertain significance (1 of 4 stars; one submission).

Submission:

Labcorp Genetics (formerly Invitae), Labcorp
Classification: Uncertain significance. Last evaluated: 2022-01-17. Review status: criteria provided, single submitter. Criteria: Invitae Variant Classification Sherloc (09022015). Collection method: clinical testing. Allele origin: germline.
Comment: In summary, the available evidence is currently insufficient to determine the role of this variant in disease. Therefore, it has been classified as a Variant of Uncertain Significance. Advanced modeling of protein sequence and biophysical properties (such as structural, functional, and spatial information, amino acid conservation, physicochemical variation, residue mobility, and thermodynamic stability) performed at Invitae indicates that this missense variant is not expected to disrupt COL9A1 protein function. This variant has not been reported in the literature in individuals affected with COL9A1-related conditions. This variant is not present in population databases (gnomAD no frequency). This sequence change replaces glutamic acid, which is acidic and polar, with glycine, which is neutral and non-polar, at codon 726 of the COL9A1 protein (p.Glu726Gly).